The following is an entry in ClinVar:

ClinVar aggregate classification (germline): Uncertain significance. Review status: criteria provided, multiple submitters, no conflicts (2 of 4 stars). 2 submissions from 2 submitters: Uncertain significance (2). Last evaluated 2025-06-17.

Conditions:
Inborn genetic diseases. Identifiers: MedGen C0950123, MeSH D030342.

Allele frequency attached by ClinVar (database versions not stated): gnomAD 0.00003; TOPMed 0.00004; ExAC 0.00006; gnomAD exomes 0.00006; ESP Exome Variant Server 0.00008.

Submissions (2):

Ambry Genetics
Classification: Uncertain significance for Inborn genetic diseases. Last evaluated: 2025-06-17. Review status: criteria provided, single submitter. Criteria: Ambry Variant Classification Scheme 2023. Collection method: clinical testing. Allele origin: germline.

Labcorp Genetics (formerly Invitae), Labcorp
Classification: Uncertain significance. Last evaluated: 2022-07-18. Review status: criteria provided, single submitter. Criteria: Invitae Variant Classification Sherloc (09022015). Collection method: clinical testing. Allele origin: germline.
Comment: This sequence change replaces arginine, which is basic and polar, with cysteine, which is neutral and slightly polar, at codon 1271 of the DOCK6 protein (p.Arg1271Cys). This variant is present in population databases (rs376724815, gnomAD 0.02%). This variant has not been reported in the literature in individuals affected with DOCK6-related conditions. ClinVar contains an entry for this variant (Variation ID: 1423814). Algorithms developed to predict the effect of missense changes on protein structure and function are either unavailable or do not agree on the potential impact of this missense change (SIFT: "Deleterious"; PolyPhen-2: "Benign"; Align-GVGD: "Class C0"). In summary, the available evidence is currently insufficient to determine the role of this variant in disease. Therefore, it has been classified as a Variant of Uncertain Significance.

NM_020812.4(DOCK6):c.3811C>T (p.Arg1271Cys)

Genes: DOCK6 (dedicator of cytokinesis 6; minus strand), DOCK6-AS1 (DOCK6 antisense RNA 1; plus strand). Cytogenetic location: 19p13.2.
Variant type: single nucleotide variant.
Coding change: c.3811C>T on transcript NM_020812.4 (MANE Select); coding-DNA position 3811, C replaced by T.
Protein change: p.Arg1271Cys; replaces arginine 1271 with cysteine.
Molecular consequence: missense variant.
Genome position (GRCh38, 1-based): chr19:11,216,997, G>A on the plus strand (C>T on the coding strand, the complement: DOCK6 is on the minus strand). VCF-style: chr19-11216997-G-A. GRCh37 (hg19) VCF-style: chr19-11327673-G-A.
Other names: c.3811C>T (NM_020812.2); c.3916C>T, p.Arg1306Cys (NM_001367830.1); short protein forms R1271C, R1306C.
Identifiers: ClinVar variation 1423814 (VCV001423814.4), dbSNP rs376724815, ClinGen allele CA9207118.